The following is an entry in ClinVar:

NM_007294.4(BRCA1):c.3739G>C (p.Val1247Leu)

Genes: BRCA1 (BRCA1 DNA repair associated; minus strand), LOC126862571 (BRD4-independent group 4 enhancer GRCh37_chr17:41243136-41244335; plus strand). Cytogenetic location: 17q21.31.
Variant type: single nucleotide variant.
Coding change: c.3739G>C on transcript NM_007294.4 (MANE Select); coding-DNA position 3739, G replaced by C.
Protein change: p.Val1247Leu; replaces valine 1247 with leucine.
Molecular consequence: missense variant. On other transcripts: intron variant (135).
Genome position (GRCh38, 1-based): chr17:43,091,792, C>G on the plus strand (G>C on the coding strand, the complement: BRCA1 is on the minus strand). VCF-style: chr17-43091792-C-G. GRCh37 (hg19) VCF-style: chr17-41243809-C-G.
Other names: c.710-760G>C (NM_001408412.1, NM_001408414.1, NM_001408411.1 and 2 more transcripts); c.452-760G>C (NM_001408509.1, NM_001408508.1); c.575-760G>C (NM_001408491.1, NM_001408493.1, NM_001408490.1); c.461-760G>C (NM_001408506.1, NM_001408507.1); c.578-760G>C (NM_001408481.1, NM_001408480.1, NM_001408492.1 and 9 more transcripts); c.779-760G>C (NM_001408408.1); c.662-760G>C (NM_001408446.1, NM_001408435.1, NM_001408447.1 and 6 more transcripts); c.785-760G>C (NM_001407985.1, NM_001408401.1, NM_001408396.1 and 13 more transcripts); and 41 more; short protein forms V1120L, V1158L, V1177L, V1180L, V379L, V1119L, V1136L, V1159L.
Identifiers: ClinVar variation 3634644 (VCV003634644.2).

ClinVar aggregate classification (germline): Uncertain significance (1 of 4 stars; one submission).

Conditions:
Hereditary breast ovarian cancer syndrome. Also called: Hereditary breast and ovarian cancer syndrome; Hereditary breast and ovarian cancer syndrome (HBOC); BRCA1- and BRCA2-Associated Hereditary Breast and Ovarian Cancer; Hereditary breast and ovarian cancer; Breast and ovarian cancer; Hereditary breast and/or ovarian cancer syndrome. Identifiers: Orphanet 145, MedGen C0677776, MeSH D061325, MONDO:0003582. Disease mechanism: loss of function.

Submission:

Labcorp Genetics (formerly Invitae), Labcorp
Classification: Uncertain significance for Hereditary breast ovarian cancer syndrome. Last evaluated: 2024-11-10. Review status: criteria provided, single submitter. Criteria: Invitae Variant Classification Sherloc (09022015). Collection method: clinical testing. Allele origin: germline.
Comment: This sequence change replaces valine, which is neutral and non-polar, with leucine, which is neutral and non-polar, at codon 1247 of the BRCA1 protein (p.Val1247Leu). This variant is not present in population databases (gnomAD no frequency). This variant has not been reported in the literature in individuals affected with BRCA1-related conditions. Invitae Evidence Modeling of protein sequence and biophysical properties (such as structural, functional, and spatial information, amino acid conservation, physicochemical variation, residue mobility, and thermodynamic stability) indicates that this missense variant is not expected to disrupt BRCA1 protein function with a negative predictive value of 80%. In summary, the available evidence is currently insufficient to determine the role of this variant in disease. Therefore, it has been classified as a Variant of Uncertain Significance.